The following is an entry in ClinVar:

ClinVar aggregate classification (germline): Uncertain significance (1 of 4 stars; one submission).

Conditions:
Nephronophthisis. Also called: Juvenile Nephronophthisis. Identifiers: Orphanet 655, MedGen C0687120, MONDO:0019005, HP:0000090.

Allele frequency attached by ClinVar (database versions not stated): gnomAD exomes below 0.00001.
gnomAD v4.1: 1 of 1,607,334 alleles (0.000062%); highest among the groups gnomAD compares: Admixed American, 0.0017%; no homozygotes.

Submission:

Labcorp Genetics (formerly Invitae), Labcorp
Classification: Uncertain significance for Nephronophthisis. Last evaluated: 2024-10-29. Review status: criteria provided, single submitter. Criteria: Invitae Variant Classification Sherloc (09022015). Collection method: clinical testing. Allele origin: germline.
Comment: This sequence change replaces serine, which is neutral and polar, with arginine, which is basic and polar, at codon 126 of the NPHP1 protein (p.Ser126Arg). This variant is not present in population databases (gnomAD no frequency). This variant has not been reported in the literature in individuals affected with NPHP1-related conditions. ClinVar contains an entry for this variant (Variation ID: 1041326). Invitae Evidence Modeling of protein sequence and biophysical properties (such as structural, functional, and spatial information, amino acid conservation, physicochemical variation, residue mobility, and thermodynamic stability) indicates that this missense variant is not expected to disrupt NPHP1 protein function with a negative predictive value of 80%. In summary, the available evidence is currently insufficient to determine the role of this variant in disease. Therefore, it has been classified as a Variant of Uncertain Significance.

NM_001128178.3(NPHP1):c.378T>G (p.Ser126Arg)

Gene: NPHP1 (nephrocystin 1; minus strand). Cytogenetic location: 2q13.
Variant type: single nucleotide variant.
Coding change: c.378T>G on transcript NM_001128178.3 (MANE Select); coding-DNA position 378, T replaced by G.
Protein change: p.Ser126Arg; replaces serine 126 with arginine.
Molecular consequence: missense variant.
Genome position (GRCh38, 1-based): chr2:110,169,950, A>C on the plus strand (T>G on the coding strand, the complement: NPHP1 is on the minus strand). VCF-style: chr2-110169950-A-C. GRCh37 (hg19) VCF-style: chr2-110927527-A-C.
Other names: c.378T>G, p.Ser126Arg (NM_000272.5, NM_001374256.1, NM_001374257.1 and 1 more transcripts); c.192T>G, p.Ser64Arg (NM_001128179.3); short protein forms S64R, S126R.
Identifiers: ClinVar variation 1041326 (VCV001041326.7), dbSNP rs1683002730, ClinGen allele CA348093108.